The following is an entry in ClinVar:

ClinVar aggregate classification (germline): Benign. Review status: criteria provided, multiple submitters, no conflicts (2 of 4 stars). 8 submissions from 8 submitters: Benign (5). 3 of the submissions do not count toward it. Last evaluated 2026-05-08.

Allele frequency attached by ClinVar (database versions not stated): 1000 Genomes Project 0.15355; 1000 Genomes Project 30x 0.15771; gnomAD exomes 0.16809 and 0.17820; ExAC 0.17437; gnomAD 0.20142 and 0.20825; TOPMed 0.20167; ESP Exome Variant Server 0.22028.
gnomAD v4.1: 278,790 of 1,544,692 alleles (18%); highest among the groups gnomAD compares: African/African-American, 28%; 26,920 homozygotes.

Submissions (8):

Women's Health and Genetics/Laboratory Corporation of America, LabCorp
Classification: Benign. Last evaluated: 2026-05-08. Review status: criteria provided, single submitter. Criteria: LabCorp Variant Classification Summary - May 2015. Collection method: clinical testing. Allele origin: germline.

Labcorp Genetics (formerly Invitae), Labcorp
Classification: Benign. Last evaluated: 2026-02-04. Review status: criteria provided, single submitter. Criteria: Invitae Variant Classification Sherloc (09022015). Collection method: clinical testing. Allele origin: germline.

Blueprint Genetics
Classification: Benign. Last evaluated: 2024-11-27. Review status: criteria provided, single submitter. Criteria: ACMG Guidelines, 2015. Collection method: clinical testing. Allele origin: germline.

GeneDx
Classification: Benign. Last evaluated: 2016-10-05. Review status: criteria provided, single submitter. Criteria: GeneDx Variant Classification (06012015). Collection method: clinical testing. Allele origin: germline. Affected: yes.
Comment: This variant is considered likely benign or benign based on one or more of the following criteria: it is a conservative change, it occurs at a poorly conserved position in the protein, it is predicted to be benign by multiple in silico algorithms, and/or has population frequency not consistent with disease.

PreventionGenetics, part of Exact Sciences
Classification: Benign. Review status: criteria provided, single submitter. Criteria: ACMG Guidelines, 2015. Collection method: clinical testing. Allele origin: germline.

Clinical Genetics DNA and cytogenetics Diagnostics Lab, Erasmus MC, Erasmus Medical Center
Classification: Benign. Review status: no assertion criteria provided. Collection method: clinical testing. Allele origin: germline. Affected: yes. Study: VKGL Data-share Consensus. Not counted in ClinVar's aggregate classification.

Genome Diagnostics Laboratory, Amsterdam University Medical Center
Classification: Benign. Review status: no assertion criteria provided. Collection method: clinical testing. Allele origin: germline. Affected: yes. Study: VKGL Data-share Consensus. Not counted in ClinVar's aggregate classification.

Joint Genome Diagnostic Labs from Nijmegen and Maastricht, Radboudumc and MUMC+
Classification: Benign. Review status: no assertion criteria provided. Collection method: clinical testing. Allele origin: germline. Affected: yes. Study: VKGL Data-share Consensus. Not counted in ClinVar's aggregate classification.

NM_001851.6(COL9A1):c.89-12T>C

Gene: COL9A1 (collagen type IX alpha 1 chain; minus strand). Cytogenetic location: 6q13.
Variant type: single nucleotide variant.
Coding change: c.89-12T>C on transcript NM_001851.6 (MANE Select); 12 bases into the intron before coding-DNA position 89, T replaced by C.
Molecular consequence: intron variant.
Genome position (GRCh38, 1-based): chr6:70,300,398, A>G on the plus strand (T>C on the coding strand, the complement: COL9A1 is on the minus strand). VCF-style: chr6-70300398-A-G. GRCh37 (hg19) VCF-style: chr6-71010101-A-G.
Other names: c.89-12T>C (NM_001377291.1).
Identifiers: ClinVar variation 258362 (VCV000258362.16), dbSNP rs12210123, ClinGen allele CA3882924.